The following is an entry in ClinVar:

NM_016507.4(CDK12):c.4379G>T (p.Gly1460Val)

Gene: CDK12 (cyclin dependent kinase 12; plus strand). Cytogenetic location: 17q12.
Variant type: single nucleotide variant.
Coding change: c.4379G>T on transcript NM_016507.4 (MANE Select); coding-DNA position 4379, G replaced by T.
Protein change: p.Gly1460Val; replaces glycine 1460 with valine.
Molecular consequence: missense variant.
Genome position (GRCh38, 1-based): chr17:39,531,222, G>T. VCF-style: chr17-39531222-G-T. GRCh37 (hg19) VCF-style: chr17-37687475-G-T.
Other names: c.4352G>T, p.Gly1451Val (NM_015083.4); short protein forms G1460V, G1451V.
Identifiers: ClinVar variation 3830703 (VCV003830703.1).

ClinVar aggregate classification (germline): Uncertain significance (1 of 4 stars; one submission).

gnomAD v4.1: 13 of 1,516,602 alleles (0.00086%); highest among the groups gnomAD compares: Non-Finnish European, 0.0011%; no homozygotes.

Submission:

Ambry Genetics
Classification: Uncertain significance. Last evaluated: 2025-02-22. Review status: criteria provided, single submitter. Criteria: Ambry Variant Classification Scheme 2023. Collection method: clinical testing. Allele origin: germline.
Comment: The p.G1460V variant (also known as c.4379G>T), located in coding exon 14 of the CDK12 gene, results from a G to T substitution at nucleotide position 4379. The glycine at codon 1460 is replaced by valine, an amino acid with dissimilar properties. This amino acid position is conserved. In addition, this alteration is predicted to be tolerated by in silico analysis. Based on the available evidence, the clinical significance of this variant remains unclear.